The following is an entry in ClinVar:

ClinVar aggregate classification (germline): Uncertain significance. Review status: criteria provided, multiple submitters, no conflicts (2 of 4 stars). 2 submissions from 2 submitters: Uncertain significance (2). Last evaluated 2025-01-13.

Allele frequency attached by ClinVar (database versions not stated): gnomAD 0.00001; gnomAD exomes 0.00001 and 0.00005; ExAC 0.00004; TOPMed 0.00005.
gnomAD v4.1: 21 of 1,610,180 alleles (0.0013%); highest among the groups gnomAD compares: Admixed American, 0.033%; no homozygotes.

Submissions (2):

Labcorp Genetics (formerly Invitae), Labcorp
Classification: Uncertain significance. Last evaluated: 2025-01-13. Review status: criteria provided, single submitter. Criteria: Invitae Variant Classification Sherloc (09022015). Collection method: clinical testing. Allele origin: germline.
Comment: This sequence change replaces threonine, which is neutral and polar, with serine, which is neutral and polar, at codon 422 of the FGFRL1 protein (p.Thr422Ser). This variant is present in population databases (rs777488330, gnomAD 0.04%). This variant has not been reported in the literature in individuals affected with FGFRL1-related conditions. ClinVar contains an entry for this variant (Variation ID: 1432870). An algorithm developed to predict the effect of missense changes on protein structure and function (PolyPhen-2) suggests that this variant is likely to be tolerated. In summary, the available evidence is currently insufficient to determine the role of this variant in disease. Therefore, it has been classified as a Variant of Uncertain Significance.

Ambry Genetics
Classification: Uncertain significance. Last evaluated: 2024-12-25. Review status: criteria provided, single submitter. Criteria: Ambry Variant Classification Scheme 2023. Collection method: clinical testing. Allele origin: germline.

NM_001004356.3(FGFRL1):c.1264A>T (p.Thr422Ser)

Gene: FGFRL1 (fibroblast growth factor receptor like 1; plus strand). Cytogenetic location: 4p16.3.
Variant type: single nucleotide variant.
Coding change: c.1264A>T on transcript NM_001004356.3 (MANE Select); coding-DNA position 1264, A replaced by T.
Protein change: p.Thr422Ser; replaces threonine 422 with serine.
Molecular consequence: missense variant.
Genome position (GRCh38, 1-based): chr4:1,025,096, A>T. VCF-style: chr4-1025096-A-T. GRCh37 (hg19) VCF-style: chr4-1018884-A-T.
Other names: c.1264A>T, p.Thr422Ser (NM_001004358.1, NM_001370296.1, NM_021923.3); c.1264A>T (NM_001004356.2); short protein forms T422S.
Identifiers: ClinVar variation 1432870 (VCV001432870.10), dbSNP rs777488330, ClinGen allele CA2803050.